The following is an entry in ClinVar:

ClinVar aggregate classification (germline): Likely pathogenic (1 of 4 stars; one submission).

Conditions:
Dilated cardiomyopathy 1G (CMD1G). Identifiers: Orphanet 154, MedGen C1858763, MONDO:0011400, OMIM 604145.
Autosomal recessive limb-girdle muscular dystrophy type 2J (LGMDR10). Also called: Limb-girdle muscular dystrophy, type 2J; MUSCULAR DYSTROPHY, LIMB-GIRDLE, AUTOSOMAL RECESSIVE 10. Identifiers: Orphanet 140922, MedGen C1837342, MONDO:0012127, OMIM 608807.

Submission:

Labcorp Genetics (formerly Invitae), Labcorp
Classification: Likely pathogenic for Dilated cardiomyopathy 1G; Autosomal recessive limb-girdle muscular dystrophy type 2J. Last evaluated: 2024-10-18. Review status: criteria provided, single submitter. Criteria: Invitae Variant Classification Sherloc (09022015). Collection method: clinical testing. Allele origin: germline.
Comment: This sequence change creates a premature translational stop signal (p.Gln2393*) in the TTN gene. While this is not anticipated to result in nonsense mediated decay, it is expected to create a truncated TTN protein. This variant is not present in population databases (gnomAD no frequency). This variant has not been reported in the literature in individuals affected with TTN-related conditions. ClinVar contains an entry for this variant (Variation ID: 1428611). This variant is located in the I band of TTN (PMID: 25589632). Truncating variants in this region have been reported in individuals affected with autosomal recessive centronuclear myopathy (PMID: 23975875, internal data). Truncating variants in this region have also been identified in individuals affected with autosomal dominant dilated cardiomyopathy and/or cardio-related conditions (PMID: 27869827, 32964742, internal data). In summary, the currently available evidence indicates that the variant is pathogenic, but additional data are needed to prove that conclusively. Therefore, this variant has been classified as Likely Pathogenic.

Literature cited by the submitters: PubMed 25589632; PubMed 23975875; PubMed 27869827; PubMed 32964742.

NM_001267550.2(TTN):c.7177C>T (p.Gln2393Ter)

Genes: TTN (titin; minus strand), LOC126806433 (BRD4-independent group 4 enhancer GRCh37_chr2:179638309-179639508; plus strand). Cytogenetic location: 2q31.2.
Variant type: single nucleotide variant.
Coding change: c.7177C>T on transcript NM_001267550.2 (MANE Select); coding-DNA position 7177, C replaced by T.
Protein change: p.Gln2393Ter; replaces glutamine 2393 with a stop codon.
Molecular consequence: nonsense.
Genome position (GRCh38, 1-based): chr2:178,773,991, G>A on the plus strand (C>T on the coding strand, the complement: TTN is on the minus strand). VCF-style: chr2-178773991-G-A. GRCh37 (hg19) VCF-style: chr2-179638718-G-A.
Other names: c.7177C>T, p.Gln2393Ter (NM_001256850.1, NM_133378.4, NM_133379.5); c.7039C>T, p.Gln2347Ter (NM_003319.4, NM_133432.3, NM_133437.4); short protein forms Q2347*, Q2393*.
Identifiers: ClinVar variation 1428611 (VCV001428611.6), dbSNP rs2154344933, ClinGen allele CA349680851.